The following is an entry in ClinVar:

NM_001374385.1(ATP8B1):c.2246T>C (p.Leu749Pro)

Genes: ATP8B1 (ATPase phospholipid transporting 8B1; minus strand), ATP8B1-AS1 (ATP8B1 antisense RNA 1; plus strand). Cytogenetic location: 18q21.31.
Variant type: single nucleotide variant.
Coding change: c.2246T>C on transcript NM_001374385.1 (MANE Select); coding-DNA position 2246, T replaced by C.
Protein change: p.Leu749Pro; replaces leucine 749 with proline.
Molecular consequence: missense variant.
Genome position (GRCh38, 1-based): chr18:57,667,131, A>G on the plus strand (T>C on the coding strand, the complement: ATP8B1 is on the minus strand). VCF-style: chr18-57667131-A-G. GRCh37 (hg19) VCF-style: chr18-55334363-A-G.
Other names: c.2096T>C, p.Leu699Pro (NM_001374386.1); c.2246T>C, p.Leu749Pro (NM_005603.6); short protein forms L699P, L749P.
Identifiers: ClinVar variation 4846255 (VCV004846255.1).

ClinVar aggregate classification (germline): Uncertain significance (1 of 4 stars; one submission).

Conditions:
Familial intrahepatic cholestasis. Identifiers: Orphanet 284385, MedGen CN296401, MONDO:0017290.

Submission:

Genomenon, Inc
Classification: Uncertain significance for Familial intrahepatic cholestasis. Last evaluated: 2026-04-14. Review status: criteria provided, single submitter. Criteria: Genomenon Sequence Variant Interpretation Standards - Updated. Collection method: curation. Allele origin: germline. Affected: yes.
Comment: ATP8B1 p.Leu749Pro (c.2246T>C) is a missense variant that changes the amino acid at residue 749 from Leucine to Proline. This variant has been observed in at least one proband with features of ATP8B1-deficiency (PMID:31555573;31091858). It has been observed in trans with a pathogenic or likely pathogenic variant (PMID:31555573). It is absent or not present at a significant frequency in gnomAD. In silico models predict that this variant is possibly or probably damaging. In conclusion, we classify ATP8B1 p.Leu749Pro (c.2246T>C) as a variant of uncertain significance.

Literature cited by the submitters: PubMed 31555573; PubMed 31091858.